The following is an entry in ClinVar:

ClinVar aggregate classification (germline): Conflicting classifications of pathogenicity. Review status: criteria provided, conflicting classifications (1 of 4 stars). 3 submissions from 3 submitters: Uncertain significance (2); Likely benign (1). Last evaluated 2023-03-23.

Conditions:
Hereditary cancer-predisposing syndrome. Also called: Neoplastic Syndromes, Hereditary; Hereditary neoplastic syndrome; Tumor predisposition; Hereditary Cancer Syndrome. Identifiers: Orphanet 140162, MedGen C0027672, MeSH D009386, MONDO:0015356.
Breast-ovarian cancer, familial, susceptibility to, 1 (BROVCA1). Also called: BRCA1 Hereditary Breast and Ovarian Cancer; OVARIAN CANCER, SUSCEPTIBILITY TO. Identifiers: Orphanet 145, MedGen C2676676, MONDO:0011450, OMIM 604370. Disease mechanism: loss of function.

Submissions (3):

University of Washington Department of Laboratory Medicine, University of Washington
Classification: Likely benign for Hereditary cancer-predisposing syndrome. Last evaluated: 2023-03-23. Review status: criteria provided, single submitter. Criteria: Dines et al. (Genet Med. 2020). Collection method: curation. Allele origin: germline.
Comment: Missense variant in a coldspot region where missense variants are very unlikely to be pathogenic (PMID:31911673).

BRCA1 coldspot (exon 11 using historical exon numbering). Reclassification based on statistical prior probability

Ambry Genetics
Classification: Uncertain significance for Hereditary cancer-predisposing syndrome. Last evaluated: 2015-11-13. Review status: criteria provided, single submitter. Criteria: Ambry Variant Classification Scheme 2023. Collection method: clinical testing. Allele origin: germline.
Comment: The p.K912N variant (also known as c.2736G>C), located in coding exon 9 of the BRCA1 gene, results from a G to C substitution at nucleotide position 2736. The lysine at codon 912 is replaced by asparagine, an amino acid with similar properties. This variant was not reported in population based cohorts in the following databases: Database of Single Nucleotide Polymorphisms (dbSNP), NHLBI Exome Sequencing Project (ESP), and 1000 Genomes Project. In the ESP, this variant was not observed in 6503 samples (13006 alleles) with coverage at this position. To date, this alteration has been detected with an allele frequency of approximately 0.0004% (greater than 225000 alleles tested) in our clinical cohort. This amino acid position is not well conserved in available vertebrate species. In addition, this alteration is predicted to be tolerated by in silico analysis. Since supporting evidence is limited at this time, the clinical significance of p.K912N remains unclear.

Molecular Endocrinology Laboratory, Christian Medical College
Classification: Uncertain significance for Breast-ovarian cancer, familial, susceptibility to, 1. Review status: criteria provided, single submitter. Criteria: ACMG Guidelines, 2015. Collection method: clinical testing. Allele origin: germline. Affected: yes.

NM_007294.4(BRCA1):c.2736G>C (p.Lys912Asn)

Gene: BRCA1 (BRCA1 DNA repair associated; minus strand). Cytogenetic location: 17q21.31.
Variant type: single nucleotide variant.
Coding change: c.2736G>C on transcript NM_007294.4 (MANE Select); coding-DNA position 2736, G replaced by C.
Protein change: p.Lys912Asn; replaces lysine 912 with asparagine.
Molecular consequence: missense variant. On other transcripts: intron variant (137).
Genome position (GRCh38, 1-based): chr17:43,092,795, C>G on the plus strand (G>C on the coding strand, the complement: BRCA1 is on the minus strand). VCF-style: chr17-43092795-C-G. GRCh37 (hg19) VCF-style: chr17-41244812-C-G.
Other names: c.2592G>C, p.Lys864Asn (NM_001407848.1, NM_001407849.1, NM_001407964.1 and 20 more transcripts); c.2595G>C, p.Lys865Asn (NM_001407850.1, NM_001407851.1, NM_001407852.1 and 29 more transcripts); c.2523G>C, p.Lys841Asn (NM_001407853.1, NM_001407894.1, NM_001407895.1 and 9 more transcripts); c.2736G>C, p.Lys912Asn (NM_001407854.1, NM_007300.4, NM_001407581.1 and 30 more transcripts); c.2526G>C, p.Lys842Asn (NM_001407882.1, NM_001407884.1, NM_001407885.1 and 13 more transcripts); c.2613G>C, p.Lys871Asn (NM_001407919.1, NM_001407937.1, NM_001407938.1 and 19 more transcripts); c.2472G>C, p.Lys824Asn (NM_001407920.1, NM_001407921.1, NM_001407922.1 and 9 more transcripts); c.2469G>C, p.Lys823Asn (NM_001407934.1, NM_001407936.1, NM_001407930.1 and 2 more transcripts); and 41 more; short protein forms K912N, K865N, K744N, K824N, K842N, K844N, K845N, K870N.
Identifiers: ClinVar variation 441518 (VCV000441518.9), dbSNP rs1555589046, ClinGen allele CA10596519.